The following is an entry in ClinVar:

NM_030777.4(SLC2A10):c.683T>A (p.Met228Lys)

Gene: SLC2A10 (solute carrier family 2 member 10; plus strand). Cytogenetic location: 20q13.12.
Variant type: single nucleotide variant.
Coding change: c.683T>A on transcript NM_030777.4 (MANE Select); coding-DNA position 683, T replaced by A.
Protein change: p.Met228Lys; replaces methionine 228 with lysine.
Molecular consequence: missense variant.
Genome position (GRCh38, 1-based): chr20:46,725,719, T>A. VCF-style: chr20-46725719-T-A. GRCh37 (hg19) VCF-style: chr20-45354358-T-A.
Other names: short protein forms M228K.
Identifiers: ClinVar variation 3443793 (VCV003443793.1).

ClinVar aggregate classification (germline): Uncertain significance (1 of 4 stars; one submission).

Conditions:
Familial thoracic aortic aneurysm and aortic dissection (TAAD). Also called: Thoracic aortic aneurysms and dissections. Identifiers: Orphanet 91387, MedGen C4707243, MONDO:0019625.

Submission:

Ambry Genetics
Classification: Uncertain significance for Familial thoracic aortic aneurysm and aortic dissection. Last evaluated: 2024-10-25. Review status: criteria provided, single submitter. Criteria: Ambry Variant Classification Scheme 2023. Collection method: clinical testing. Allele origin: germline.
Comment: The p.M228K variant (also known as c.683T>A), located in coding exon 2 of the SLC2A10 gene, results from a T to A substitution at nucleotide position 683. The methionine at codon 228 is replaced by lysine, an amino acid with similar properties. This amino acid position is conserved. In addition, this alteration is predicted to be deleterious by in silico analysis. Based on the available evidence, the clinical significance of this variant remains unclear.